The following is an entry in ClinVar:

NM_001130438.3(SPTAN1):c.7395C>A (p.Phe2465Leu)

Gene: SPTAN1 (spectrin alpha, non-erythrocytic 1; plus strand). Cytogenetic location: 9q34.11.
Variant type: single nucleotide variant.
Coding change: c.7395C>A on transcript NM_001130438.3 (MANE Select); coding-DNA position 7395, C replaced by A.
Protein change: p.Phe2465Leu; replaces phenylalanine 2465 with leucine.
Molecular consequence: missense variant.
Genome position (GRCh38, 1-based): chr9:128,633,295, C>A. VCF-style: chr9-128633295-C-A. GRCh37 (hg19) VCF-style: chr9-131395574-C-A.
Other names: c.7320C>A, p.Phe2440Leu (NM_001195532.2); c.7458C>A, p.Phe2486Leu (NM_001363759.2); c.7335C>A, p.Phe2445Leu (NM_001363765.2, NM_001375314.2); c.7482C>A, p.Phe2494Leu (NM_001375310.1); c.7395C>A, p.Phe2465Leu (NM_001375311.2); c.7431C>A, p.Phe2477Leu (NM_001375312.2); c.7377C>A, p.Phe2459Leu (NM_001375313.1); c.7494C>A, p.Phe2498Leu (NM_001375318.1); and 1 more; short protein forms F2440L, F2445L, F2459L, F2460L, F2465L, F2477L, F2486L, F2494L.
Identifiers: ClinVar variation 1309880 (VCV001309880.2), dbSNP rs752878085, ClinGen allele CA375103891.

ClinVar aggregate classification (germline): Uncertain significance (1 of 4 stars; one submission).

Submission:

GeneDx
Classification: Uncertain significance. Last evaluated: 2019-11-07. Review status: criteria provided, single submitter. Criteria: GeneDx Variant Classification Process June 2021. Collection method: clinical testing. Allele origin: germline. Affected: yes.
Comment: Has not been previously published as pathogenic or benign to our knowledge; Not observed in large population cohorts (Lek et al., 2016); In silico analysis, which includes protein predictors and evolutionary conservation, supports that this variant does not alter protein structure/function